The following is an entry in ClinVar:

ClinVar aggregate classification (germline): Pathogenic/Likely pathogenic. Review status: criteria provided, multiple submitters, no conflicts (2 of 4 stars). 2 submissions from 2 submitters: Pathogenic (1); Likely pathogenic (1). Last evaluated 2022-04-05.

Conditions:
Ear malformation. Also called: CUP EAR; Abnormality of the ear. Identifiers: MedGen C0266589, MONDO:0007500, OMIM 128600, HP:0000598.

Submissions (2):

Labcorp Genetics (formerly Invitae), Labcorp
Classification: Pathogenic. Last evaluated: 2022-04-05. Review status: criteria provided, single submitter. Criteria: Invitae Variant Classification Sherloc (09022015). Collection method: clinical testing. Allele origin: germline.
Comment: This premature translational stop signal has been observed in individual(s) with deafness and Pendred syndrome (PMID: 18813951, 25239229). ClinVar contains an entry for this variant (Variation ID: 1180697). For these reasons, this variant has been classified as Pathogenic. This variant is not present in population databases (gnomAD no frequency). This sequence change creates a premature translational stop signal (p.Asn322Lysfs*8) in the SLC26A4 gene. It is expected to result in an absent or disrupted protein product. Loss-of-function variants in SLC26A4 are known to be pathogenic (PMID: 16283880, 25394566, 26252218, 26445815).

Kariminejad - Najmabadi Pathology & Genetics Center
Classification: Likely pathogenic for Ear malformation. Last evaluated: 2021-07-10. Review status: criteria provided, single submitter. Criteria: ACMG Guidelines, 2015. Collection method: clinical testing. Allele origin: germline. Affected: yes.

Literature cited by the submitters: PubMed 18813951 (cited by Labcorp Genetics (formerly Invitae), Labcorp); PubMed 25239229 (cited by Labcorp Genetics (formerly Invitae), Labcorp); PubMed 16283880 (cited by Labcorp Genetics (formerly Invitae), Labcorp); PubMed 25394566 (cited by Labcorp Genetics (formerly Invitae), Labcorp); PubMed 26252218 (cited by Labcorp Genetics (formerly Invitae), Labcorp); PubMed 26445815 (cited by Labcorp Genetics (formerly Invitae), Labcorp).

NM_000441.2(SLC26A4):c.965dup (p.Asn322fs)

Gene: SLC26A4 (solute carrier family 26 member 4; plus strand). Cytogenetic location: 7q22.3.
Variant type: Duplication.
Coding change: c.965dup on transcript NM_000441.2 (MANE Select); coding-DNA position 965, one base duplicated (A; older notation c.965dupA).
Protein change: p.Asn322fs; shifts the reading frame from asparagine 322.
Molecular consequence: frameshift variant.
Genome position (GRCh38, 1-based): chr7:107,683,501, A duplicated; the last of 7 consecutive A bases (chr7:107,683,495-107,683,501); duplicating any one gives the same sequence. VCF-style (leftmost placement, unchanged base first): chr7-107683494-G-GA. GRCh37 (hg19) VCF-style: chr7-107323939-G-GA.
Other names: short protein forms N322fs.
Identifiers: ClinVar variation 1180697 (VCV001180697.6), dbSNP rs747834704, ClinGen allele CA1732741947.